The following is an entry in ClinVar:

ClinVar aggregate classification (germline): Uncertain significance (1 of 4 stars; one submission).

Allele frequency attached by ClinVar (database versions not stated): ExAC 0.00001; gnomAD exomes 0.00001; TOPMed 0.00002; gnomAD 0.00003.
gnomAD v4.1: 22 of 1,613,690 alleles (0.0014%); highest among the groups gnomAD compares: South Asian, 0.0033%; no homozygotes.

Submission:

Labcorp Genetics (formerly Invitae), Labcorp
Classification: Uncertain significance. Last evaluated: 2024-06-22. Review status: criteria provided, single submitter. Criteria: Invitae Variant Classification Sherloc (09022015). Collection method: clinical testing. Allele origin: germline.
Comment: This sequence change replaces isoleucine, which is neutral and non-polar, with valine, which is neutral and non-polar, at codon 775 of the SLC12A2 protein (p.Ile775Val). This variant is present in population databases (rs111626400, gnomAD 0.01%). This variant has not been reported in the literature in individuals affected with SLC12A2-related conditions. ClinVar contains an entry for this variant (Variation ID: 1954235). Advanced modeling of protein sequence and biophysical properties (such as structural, functional, and spatial information, amino acid conservation, physicochemical variation, residue mobility, and thermodynamic stability) performed at Invitae indicates that this missense variant is not expected to disrupt SLC12A2 protein function with a negative predictive value of 80%. In summary, the available evidence is currently insufficient to determine the role of this variant in disease. Therefore, it has been classified as a Variant of Uncertain Significance.

NM_001046.3(SLC12A2):c.2323A>G (p.Ile775Val)

Gene: SLC12A2 (solute carrier family 12 member 2; plus strand). Cytogenetic location: 5q23.3.
Variant type: single nucleotide variant.
Coding change: c.2323A>G on transcript NM_001046.3 (MANE Select); coding-DNA position 2323, A replaced by G.
Protein change: p.Ile775Val; replaces isoleucine 775 with valine.
Molecular consequence: missense variant. On other transcripts: non-coding transcript variant (1).
Genome position (GRCh38, 1-based): chr5:128,152,765, A>G. VCF-style: chr5-128152765-A-G. GRCh37 (hg19) VCF-style: chr5-127488457-A-G.
Other names: c.2323A>G, p.Ile775Val (NM_001256461.2); short protein forms I775V.
Identifiers: ClinVar variation 1954235 (VCV001954235.5), dbSNP rs111626400, ClinGen allele CA3393332.